The following is an entry in ClinVar:

ClinVar aggregate classification (germline): Benign/Likely benign. Review status: criteria provided, multiple submitters, no conflicts (2 of 4 stars). 14 submissions from 13 submitters: Benign (6); Likely benign (8). Last evaluated 2026-02-02.

Conditions:
SGCD-related disorder. Also called: SGCD-related condition.
Inborn genetic diseases. Identifiers: MedGen C0950123, MeSH D030342.
Qualitative or quantitative defects of delta-sarcoglycan. Identifiers: Orphanet 207070, MedGen C5680806, MONDO:0016144.
Cardiomyopathy (CMYO). Also called: Cardiomyopathies. Identifiers: Orphanet 167848, MedGen C0878544, MONDO:0004994, HP:0001638. Inheritance: Various modes of inheritance.
Autosomal recessive limb-girdle muscular dystrophy type 2F (LGMDR6). Also called: MUSCULAR DYSTROPHY, LIMB-GIRDLE, AUTOSOMAL RECESSIVE 6; Muscular dystrophy limb-girdle with delta-sarcoglyan deficiency. Identifiers: Orphanet 219, MedGen C1832525, MONDO:0011028, OMIM 601287. Disease mechanism: Affects gamma-sarcoglycan and also disrupts the integrity of the entire sarcoglycan complex..
Dilated cardiomyopathy 1L (CMD1L). Identifiers: Orphanet 154, MedGen C1847667, MONDO:0011702, OMIM 606685.

Allele frequency attached by ClinVar (database versions not stated): 1000 Genomes Project 30x 0.00062; 1000 Genomes Project 0.00080; ESP Exome Variant Server 0.00205; TOPMed 0.00263.
gnomAD v4.1: 657 of 1,612,480 alleles (0.041%); highest among the groups gnomAD compares: African/African-American, 0.77%; 2 homozygotes.

Submissions (14):

Labcorp Genetics (formerly Invitae), Labcorp
Classification: Benign for Autosomal recessive limb-girdle muscular dystrophy type 2F. Last evaluated: 2026-02-02. Review status: criteria provided, single submitter. Criteria: Invitae Variant Classification Sherloc (09022015). Collection method: clinical testing. Allele origin: germline.

PreventionGenetics, part of Exact Sciences
Classification: Benign for SGCD-related condition. Last evaluated: 2025-11-19. Review status: criteria provided, single submitter. Criteria: ACMG Guidelines, 2015. Collection method: clinical testing. Allele origin: germline.
Comment: This variant is classified as benign based on ACMG/AMP sequence variant interpretation guidelines (Richards et al. 2015 PMID: 25741868, with internal and published modifications).

Mayo Clinic Laboratories, Mayo Clinic
Classification: Likely benign. Last evaluated: 2025-04-02. Review status: criteria provided, single submitter. Criteria: ACMG Guidelines, 2015. Collection method: clinical testing. Allele origin: germline. Observed: 7 variant alleles.
Comment: BS1, BP4, BP7

Blueprint Genetics
Classification: Likely benign. Last evaluated: 2024-07-19. Review status: criteria provided, single submitter. Criteria: ACMG Guidelines, 2015. Collection method: clinical testing. Allele origin: germline.

Genome-Nilou Lab
Classification: Likely benign for Autosomal recessive limb-girdle muscular dystrophy type 2F. Last evaluated: 2023-02-08. Review status: criteria provided, single submitter. Criteria: ACMG Guidelines, 2015. Collection method: clinical testing. Allele origin: germline.

Genome-Nilou Lab
Classification: Likely benign for Dilated cardiomyopathy 1L. Last evaluated: 2023-02-08. Review status: criteria provided, single submitter. Criteria: ACMG Guidelines, 2015. Collection method: clinical testing. Allele origin: germline.

Ambry Genetics
Classification: Likely benign for Inborn genetic diseases. Last evaluated: 2022-05-17. Review status: criteria provided, single submitter. Criteria: Ambry Variant Classification Scheme 2023. Collection method: clinical testing. Allele origin: germline.

CeGaT Center for Human Genetics Tuebingen
Classification: Likely benign. Last evaluated: 2021-08-01. Review status: criteria provided, single submitter. Criteria: CeGaT Center For Human Genetics Tuebingen Variant Classification Criteria Version 2. Collection method: clinical testing. Allele origin: germline. Affected: yes. Observed: 1 variant allele.

Women's Health and Genetics/Laboratory Corporation of America, LabCorp
Classification: Benign. Last evaluated: 2019-10-28. Review status: criteria provided, single submitter. Criteria: LabCorp Variant Classification Summary - May 2015. Collection method: clinical testing. Allele origin: germline.

Illumina Laboratory Services, Illumina
Classification: Likely benign for Qualitative or quantitative defects of delta-sarcoglycan. Last evaluated: 2018-01-12. Review status: criteria provided, single submitter. Criteria: ICSL Variant Classification Criteria 13 December 2019. Collection method: clinical testing. Allele origin: germline.
Comment: This variant was observed in the ICSL laboratory as part of a predisposition screen in an ostensibly healthy population. It had not been previously curated by ICSL or reported in the Human Gene Mutation Database (HGMD: prior to June 1st, 2018), and was therefore a candidate for classification through an automated scoring system. Utilizing variant allele frequency, disease prevalence and penetrance estimates, and inheritance mode, an automated score was calculated to assess if this variant is too frequent to cause the disease. Based on the score and internal cut-off values, a variant classified as likely benign is not then subjected to further curation. The score for this variant resulted in a classification of likely benign for this disease.

CHEO Genetics Diagnostic Laboratory, Children's Hospital of Eastern Ontario
Classification: Benign for Cardiomyopathy. Last evaluated: 2017-05-19. Review status: criteria provided, single submitter. Criteria: ACMG Guidelines, 2015. Collection method: clinical testing. Allele origin: germline. Study: Canadian Open Genetics Repository.

Eurofins Ntd Llc (ga)
Classification: Likely benign. Last evaluated: 2015-11-13. Review status: criteria provided, single submitter. Criteria: EGL Classification Definitions 2015. Collection method: clinical testing. Allele origin: germline. Observed: 1 variant allele, 1 heterozygote.

GeneDx
Classification: Benign. Last evaluated: 2015-03-03. Review status: criteria provided, single submitter. Criteria: GeneDx Variant Classification Process June 2021. Collection method: clinical testing. Allele origin: germline. Affected: yes.

Laboratory for Molecular Medicine, Mass General Brigham Personalized Medicine
Classification: Benign. Last evaluated: 2013-07-29. Review status: criteria provided, single submitter. Criteria: LMM Criteria. Collection method: clinical testing. Allele origin: germline. Observed: 4 variant alleles.
Comment: Leu35Leu in Exon 03 of SGCD: This variant is not expected to have clinical signi ficance because it does not alter an amino acid residue, is not located within t he splice consensus sequence and has been identified in 0.6% (25/3910) of Africa n American chromosomes from a broad population by the NHLBI Exome Sequencing Pro ject.

NM_000337.6(SGCD):c.105G>C (p.Leu35=)

Gene: SGCD (sarcoglycan delta; plus strand). Cytogenetic location: 5q33.3.
Variant type: single nucleotide variant.
Coding change: c.105G>C on transcript NM_000337.6 (MANE Select); coding-DNA position 105, G replaced by C.
Protein change: p.Leu35=; no amino-acid change (leucine 35 retained).
Molecular consequence: synonymous variant.
Genome position (GRCh38, 1-based): chr5:156,344,590, G>C. VCF-style: chr5-156344590-G-C. GRCh37 (hg19) VCF-style: chr5-155771600-G-C.
Other names: p.Leu35=; c.102G>C, p.Leu34= (NM_001128209.2); c.105G>C, p.Leu35= (NM_172244.3).
Identifiers: ClinVar variation 36771 (VCV000036771.66), dbSNP rs193922392, ClinGen allele CA180929.
Genomic context (GRCh38, chr5:156,344,590, plus strand): 5'-TGGCTCTGTGGGGCCACAGGTATACAAGGTGGGGATTTATGGCTGGCGGAAACGATGCCT[G>C]TATTTCTTTGTCCTGCTCCTCATGATTTTAATACTGGTGAACTTGGCCATGACCATCTGG-3'
Protein context (NP_000328.2, residues 25-45): VGIYGWRKRC[Leu35=]YFFVLLLMIL